The following is an entry in ClinVar:

NM_001042492.3(NF1):c.5428C>T (p.Leu1810Phe)

Gene: NF1 (neurofibromin 1; plus strand). Cytogenetic location: 17q11.2.
Variant type: single nucleotide variant.
Coding change: c.5428C>T on transcript NM_001042492.3 (MANE Select); coding-DNA position 5428, C replaced by T.
Protein change: p.Leu1810Phe; replaces leucine 1810 with phenylalanine.
Molecular consequence: missense variant.
Genome position (GRCh38, 1-based): chr17:31,327,658, C>T. VCF-style: chr17-31327658-C-T. GRCh37 (hg19) VCF-style: chr17-29654676-C-T.
Other names: c.5365C>T, p.Leu1789Phe (NM_000267.4); short protein forms L1789F, L1810F.
Identifiers: ClinVar variation 2776820 (VCV002776820.4), dbSNP rs2151541325, ClinGen allele CA399009417.
Genomic context (GRCh38, chr17:31,327,658, plus strand): 5'-GAAATCTGCCTAGTAGATGAGAACCAGTTCACCTTAACCATTGCAAACCAGGGCACGCCG[C>T]TCACCTTCATGCACCAGGAGTGTGAAGCCATTGTCCAGTCTATCATTCATATCCGGACCC-3'
Protein context (NP_001035957.1, residues 1800-1820): TLTIANQGTP[Leu1810Phe]TFMHQECEAI

ClinVar aggregate classification (germline): Uncertain significance. Review status: criteria provided, multiple submitters, no conflicts (2 of 4 stars). 2 submissions from 2 submitters: Uncertain significance (2). Last evaluated 2024-01-31.

Conditions:
Neurofibromatosis, type 1 (NF1). Also called: VON RECKLINGHAUSEN DISEASE; Peripheral type neurofibromatosis; Neurofibromatosis, type I; NEUROFIBROMATOSIS, TYPE I, SOMATIC. Identifiers: Orphanet 636, MedGen C0027831, MONDO:0018975, OMIM 162200. Disease mechanism: loss of function.
Cardiovascular phenotype. Identifiers: MedGen CN230736.
Hereditary cancer-predisposing syndrome. Also called: Hereditary Cancer Syndrome; Hereditary neoplastic syndrome; Tumor predisposition; Neoplastic Syndromes, Hereditary. Identifiers: Orphanet 140162, MedGen C0027672, MeSH D009386, MONDO:0015356.

Allele frequency attached by ClinVar (database versions not stated): gnomAD exomes below 0.00001.

Submissions (2):

Ambry Genetics
Classification: Uncertain significance for Cardiovascular phenotype; Hereditary cancer-predisposing syndrome. Last evaluated: 2024-01-31. Review status: criteria provided, single submitter. Criteria: Ambry Variant Classification Scheme 2023. Collection method: clinical testing. Allele origin: germline.
Comment: The p.L1789F variant (also known as c.5365C>T), located in coding exon 37 of the NF1 gene, results from a C to T substitution at nucleotide position 5365. The leucine at codon 1789 is replaced by phenylalanine, an amino acid with highly similar properties. This amino acid position is conserved. In addition, this alteration is predicted to be deleterious by in silico analysis. Based on the available evidence, the clinical significance of this alteration remains unclear.

Labcorp Genetics (formerly Invitae), Labcorp
Classification: Uncertain significance for Neurofibromatosis, type 1. Last evaluated: 2023-08-11. Review status: criteria provided, single submitter. Criteria: Invitae Variant Classification Sherloc (09022015). Collection method: clinical testing. Allele origin: germline.
Comment: In summary, the available evidence is currently insufficient to determine the role of this variant in disease. Therefore, it has been classified as a Variant of Uncertain Significance. This sequence change replaces leucine, which is neutral and non-polar, with phenylalanine, which is neutral and non-polar, at codon 1789 of the NF1 protein (p.Leu1789Phe). This variant is not present in population databases (gnomAD no frequency). This variant has not been reported in the literature in individuals affected with NF1-related conditions. Advanced modeling of protein sequence and biophysical properties (such as structural, functional, and spatial information, amino acid conservation, physicochemical variation, residue mobility, and thermodynamic stability) performed at Invitae indicates that this missense variant is expected to disrupt NF1 protein function.